The following is an entry in ClinVar:

NM_001134831.2(AHI1):c.3200C>G (p.Ser1067Ter)

Gene: AHI1 (Abelson helper integration site 1; minus strand). Cytogenetic location: 6q23.3.
Variant type: single nucleotide variant.
Coding change: c.3200C>G on transcript NM_001134831.2 (MANE Select); coding-DNA position 3200, C replaced by G.
Protein change: p.Ser1067Ter; replaces serine 1067 with a stop codon.
Molecular consequence: nonsense.
Genome position (GRCh38, 1-based): chr6:135,323,290, G>C on the plus strand (C>G on the coding strand, the complement: AHI1 is on the minus strand). VCF-style: chr6-135323290-G-C. GRCh37 (hg19) VCF-style: chr6-135644428-G-C.
Other names: c.3200C>G, p.Ser1067Ter (NM_001134830.2, NM_001350503.2, NM_001350504.2 and 1 more transcripts); short protein forms S1067*.
Identifiers: ClinVar variation 1418352 (VCV001418352.6), dbSNP rs2128384779, ClinGen allele CA365845751.

ClinVar aggregate classification (germline): Pathogenic (1 of 4 stars; one submission).

Conditions:
Joubert syndrome. Also called: CEREBELLOPARENCHYMAL DISORDER IV; JOUBERT-BOLTSHAUSER SYNDROME; Familial aplasia of the vermis. Identifiers: Orphanet 475, MedGen C5979921, MONDO:0018772.

Submission:

Labcorp Genetics (formerly Invitae), Labcorp
Classification: Pathogenic for Joubert syndrome. Last evaluated: 2021-09-05. Review status: criteria provided, single submitter. Criteria: Invitae Variant Classification Sherloc (09022015). Collection method: clinical testing. Allele origin: germline.
Comment: This variant is not present in population databases (ExAC no frequency). For these reasons, this variant has been classified as Pathogenic. This variant has not been reported in the literature in individuals affected with AHI1-related conditions. This sequence change creates a premature translational stop signal (p.Ser1067*) in the AHI1 gene. It is expected to result in an absent or disrupted protein product. Loss-of-function variants in AHI1 are known to be pathogenic (PMID: 15322546, 16453322, 28442542, 29186038).

Literature cited by the submitters: PubMed 15322546; PubMed 16453322; PubMed 28442542; PubMed 29186038.